The following continues an entry in ClinVar:

NM_000256.3(MYBPC3):c.655G>C (p.Val219Leu)

Gene: MYBPC3. ClinVar aggregate classification (germline): Pathogenic/Likely pathogenic. Pathogenic (14); Likely pathogenic (2).

Submissions 10 to 18 of 18:

All of Us Research Program, National Institutes of Health
Classification: Pathogenic for Hypertrophic cardiomyopathy. Last evaluated: 2023-07-07. Review status: criteria provided, single submitter. Criteria: ACMG Guidelines, 2015. Collection method: clinical testing. Allele origin: germline. Inheritance: Autosomal dominant inheritance. Observed: 2 variant alleles, 2 heterozygotes.
Comment: The c.655G>C (p.Val219Leu) variant in the MYBPC3 gene has been reported in multiple unrelated patients with hypertrophic cardiomyopathy (HCM) (PMID: 15519027, 20624503, 20031618, 20031602, 23782526, 24510615, 26914223). This variant is absent from general population databases. It is located at the first nucleotide of exon 6 of the MYBPC3 gene and predicted to affect the RNA splicing. Functional studies have showed that the c.655G>C change causes skipping of exon 6, which is predicted to result in a truncated protein or absence of the protein (Crehalet et al., 2012). In summary, this c.655G>C (p.Val219Leu) in the MYBPC3 gene is classified as pathogenic.

This study involves interpretation of variants in research participants for the purpose of population health screening. Participant phenotype was not available at the time of variant classification. Additional details can be found in publication PMID: 35346344, PMCID: PMC8962531

CHEO Genetics Diagnostic Laboratory, Children's Hospital of Eastern Ontario
Classification: Pathogenic for Cardiomyopathy. Last evaluated: 2022-11-11. Review status: criteria provided, single submitter. Criteria: ACMG Guidelines, 2015. Collection method: clinical testing. Allele origin: germline.

Fulgent Genetics
Classification: Pathogenic for Hypertrophic cardiomyopathy 4; Left ventricular noncompaction 10. Last evaluated: 2021-09-14. Review status: criteria provided, single submitter. Criteria: ACMG Guidelines, 2015. Collection method: clinical testing. Allele origin: unknown.

Women's Health and Genetics/Laboratory Corporation of America, LabCorp
Classification: Pathogenic for Primary familial hypertrophic cardiomyopathy. Last evaluated: 2021-01-07. Review status: criteria provided, single submitter. Criteria: LabCorp Variant Classification Summary - May 2015. Collection method: clinical testing. Allele origin: germline.
Comment: Variant summary: MYBPC3 c.655G>C (p.Val219Leu) results in a conservative amino acid change located in the Immunoglobulin-like domain (IPR007110) of the encoded protein sequence. Three of five in-silico tools predict a damaging effect of the variant on protein function. 4/4 computational tools predict no significant impact on normal splicing. However, experimental evidence suggests that the variant causes complete skipping of exon 6 (Crehalet_2012). The variant was absent in 246060 control chromosomes (gnomAD). c.655G>C has been reported in the literature in multiple individuals affected with Hypertrophic Cardiomyopathy (example: VanDriest_2004, Lopes_2013, Seidelmann_2017, Miller_2019). These data indicate that the variant is very likely to be associated with disease. Eight other ClinVar submitters (evaluation after 2014) cite the variant as pathogenic/likely pathogenic. Based on the evidence outlined above, the variant was classified as pathogenic.

Human Genome Sequencing Center Clinical Lab, Baylor College of Medicine
Classification: Pathogenic for Hypertrophic cardiomyopathy 4. Last evaluated: 2020-03-19. Review status: criteria provided, single submitter. Criteria: ACMG Guidelines, 2015. Collection method: clinical testing. Allele origin: germline.
Comment: The c.655G>C (p.Val219Leu) variant in the MYBPC3 gene has been reported in multiple unrelated patients with hypertrophic cardiomyopathy (HCM) (PMID: 15519027, 20624503, 20031618, 20031602, 23782526, 24510615, 26914223). This variant is absent from general population databases. It is located at the first nucleotide of exon 6 of the MYBPC3 gene and predicted to affect the RNA splicing. Functional studies have showed that the c.655G>C change causes skipping of exon 6, which is predicted to result in a truncated protein or absence of the protein (Crehalet et al., 2012). In summary, this c.655G>C (p.Val219Leu) in the MYBPC3 gene is classified as pathogenic.

Laboratory for Molecular Medicine, Mass General Brigham Personalized Medicine
Classification: Likely pathogenic for Hypertrophic cardiomyopathy. Last evaluated: 2015-10-29. Review status: criteria provided, single submitter. Criteria: LMM Criteria. Collection method: clinical testing. Allele origin: germline. Inheritance: Autosomal dominant inheritance. Observed: 12 variant alleles.
Comment: The p.Val219Leu variant in MYBPC3 has been reported in >15 individuals with HCM and segregated with disease in one affected relative (Van Driest 2004, Pan 2012, Kaski 2012, LMM data). It has not been identified in large population studies. This variant is located in the first base of the exon, which is part of the 3? splice region. Computational splicing prediction tools do not predict altered sp licing. In vitro studies showed that this variant results in skipping of exon 6 (Crehalet 2012), which is predicted to cause a frameshift and a premature termin ation codon, leading to a truncated or absent protein. However, these types of o f prediction tools and assays may not accurately represent biological function. In summary, although additional segregation and in vivo studies are required to fully establish its clinical significance, the p.Val219Leu variant is likely pat hogenic.

Stanford Center for Inherited Cardiovascular Disease, Stanford University
Classification: Likely pathogenic. Last evaluated: 2014-12-07. Review status: criteria provided, single submitter. Criteria: ACMG Guidelines, 2015. Collection method: provider interpretation. Allele origin: germline.

NIHR Bioresource Rare Diseases, University of Cambridge
Classification: Likely pathogenic for Asymmetric septal hypertrophy. Last evaluated: 2018-01-01. Review status: no assertion criteria provided. Collection method: research. Allele origin: germline. Affected: yes. Not counted in ClinVar's aggregate classification.

Genomics England Pilot Project, Genomics England
Classification: Likely pathogenic for Hypertrophic cardiomyopathy 4. Review status: no assertion criteria provided. Criteria: ACGS Guidelines, 2016. Collection method: clinical testing. Allele origin: germline. Affected: yes. Not counted in ClinVar's aggregate classification.

Literature cited by the submitters: PubMed 15519027 (cited by 6 submitters); PubMed 20031602 (cited by 4 submitters); PubMed 20031618 (cited by 5 submitters); PubMed 20624503 (cited by 3 submitters); PubMed 26914223 (cited by 4 submitters); PubMed 23396983 (cited by 3 submitters); PubMed 23690394 (cited by Color Diagnostics, LLC DBA Color Health and Ambry Genetics); PubMed 23782526 (cited by 4 submitters); PubMed 27532257 (cited by Color Diagnostics, LLC DBA Color Health and Ambry Genetics); PubMed 28087566 (cited by 3 submitters); PubMed 28679633 (cited by Color Diagnostics, LLC DBA Color Health and Ambry Genetics); PubMed 28790153 (cited by Color Diagnostics, LLC DBA Color Health); PubMed 30645170 (cited by Color Diagnostics, LLC DBA Color Health); PubMed 31199839 (cited by Color Diagnostics, LLC DBA Color Health and Women's Health and Genetics/Laboratory Corporation of America, LabCorp); PubMed 31219556 (cited by Color Diagnostics, LLC DBA Color Health); PubMed 35199016 (cited by Color Diagnostics, LLC DBA Color Health); PubMed 23074333 (cited by 3 submitters); PubMed 24510615 (cited by 3 submitters); PubMed 32841044 (cited by Victorian Clinical Genetics Services, Murdoch Childrens Research Institute); PubMed 22589294 (cited by Laboratory for Molecular Medicine, Mass General Brigham Personalized Medicine).